The following is an entry in ClinVar:

NM_003072.5(SMARCA4):c.404C>T (p.Pro135Leu)

Gene: SMARCA4 (SWI/SNF related BAF chromatin remodeling complex subunit ATPase 4; plus strand). Cytogenetic location: 19p13.2.
Variant type: single nucleotide variant.
Coding change: c.404C>T on transcript NM_003072.5 (MANE Select); coding-DNA position 404, C replaced by T.
Protein change: p.Pro135Leu; replaces proline 135 with leucine.
Molecular consequence: missense variant. On other transcripts: non-coding transcript variant (1).
Genome position (GRCh38, 1-based): chr19:10,986,237, C>T. VCF-style: chr19-10986237-C-T. GRCh37 (hg19) VCF-style: chr19-11096913-C-T.
Other names: c.404C>T (NM_001128849.1); c.404C>T, p.Pro135Leu (NM_001128844.3, NM_001128845.2, NM_001128846.2 and 6 more transcripts); short protein forms P135L.
Identifiers: ClinVar variation 1721739 (VCV001721739.6), dbSNP rs2145772927, ClinGen allele CA404055816.
Genomic context (GRCh38, chr19:10,986,237, plus strand): 5'-CTTTCTCTGCAGGTTACCCCTCGCCCCTGGGTGGCTCTGAGCATGCCTCTAGTCCAGTTC[C>T]AGCCAGTGGCCCGTCTTCGGGGCCCCAGATGTCTTCCGGGCCAGGAGGTGCCCCGCTGGA-3'
Protein context (NP_003063.2, residues 125-145): GGSEHASSPV[Pro135Leu]ASGPSSGPQM

ClinVar aggregate classification (germline): Uncertain significance. Review status: criteria provided, multiple submitters, no conflicts (2 of 4 stars). 2 submissions from 2 submitters: Uncertain significance (2). Last evaluated 2025-06-03.

Conditions:
Hereditary cancer-predisposing syndrome. Also called: Hereditary neoplastic syndrome; Neoplastic Syndromes, Hereditary; Hereditary Cancer Syndrome; Tumor predisposition. Identifiers: Orphanet 140162, MedGen C0027672, MeSH D009386, MONDO:0015356.
Rhabdoid tumor predisposition syndrome 2 (RTPS2). Identifiers: Orphanet 231108, Orphanet 69077, MedGen C2750074, MONDO:0013224, OMIM 613325.

Submissions (2):

Ambry Genetics
Classification: Uncertain significance for Hereditary cancer-predisposing syndrome. Last evaluated: 2025-06-03. Review status: criteria provided, single submitter. Criteria: Ambry Variant Classification Scheme 2023. Collection method: clinical testing. Allele origin: germline.

Labcorp Genetics (formerly Invitae), Labcorp
Classification: Uncertain significance for Rhabdoid tumor predisposition syndrome 2. Last evaluated: 2022-10-16. Review status: criteria provided, single submitter. Criteria: Invitae Variant Classification Sherloc (09022015). Collection method: clinical testing. Allele origin: germline.
Comment: In summary, the available evidence is currently insufficient to determine the role of this variant in disease. Therefore, it has been classified as a Variant of Uncertain Significance. Algorithms developed to predict the effect of missense changes on protein structure and function (SIFT, PolyPhen-2, Align-GVGD) all suggest that this variant is likely to be disruptive. This variant has not been reported in the literature in individuals affected with SMARCA4-related conditions. This variant is not present in population databases (gnomAD no frequency). This sequence change replaces proline, which is neutral and non-polar, with leucine, which is neutral and non-polar, at codon 135 of the SMARCA4 protein (p.Pro135Leu).